The following is an entry in ClinVar:

NM_002878.4(RAD51D):c.223C>T (p.Leu75=)

Genes: RAD51L3-RFFL (RAD51L3-RFFL readthrough; minus strand), RAD51D (RAD51 paralog D; minus strand). Cytogenetic location: 17q12.
Variant type: single nucleotide variant.
Coding change: c.223C>T on transcript NM_002878.4 (MANE Select); coding-DNA position 223, C replaced by T.
Protein change: p.Leu75=; no amino-acid change (leucine 75 retained).
Molecular consequence: synonymous variant. On other transcripts: intron variant (2).
Genome position (GRCh38, 1-based): chr17:35,118,541, G>A on the plus strand (C>T on the coding strand, the complement: RAD51D is on the minus strand). VCF-style: chr17-35118541-G-A. GRCh37 (hg19) VCF-style: chr17-33445560-G-A.
Other names: c.144+570C>T (NM_133629.3, NM_001142571.2).
Identifiers: ClinVar variation 416205 (VCV000416205.19), dbSNP rs746929682, ClinGen allele CA8499623.
Genomic context (GRCh38, chr17:35,118,541, plus strand): 5'-CCCCAAGTACACACACAAACCTGCCAATGCCAGTGGACAGGATGGCAGTGGAGGTCTTCA[G>A]TTCCTCGTAGAGATCAGCGCCATTCACGGGGAAAGCCGAGAACTGAGCCAGCAGCACCCG-3'
Protein context (NP_002869.3, residues 65-85): PVNGADLYEE[Leu75=]KTSTAILSTG

ClinVar aggregate classification (germline): Benign/Likely benign. Review status: criteria provided, multiple submitters, no conflicts (2 of 4 stars). 5 submissions from 5 submitters: Benign (1); Likely benign (4). Last evaluated 2025-02-20.

Conditions:
Hereditary cancer-predisposing syndrome. Also called: Tumor predisposition; Neoplastic Syndromes, Hereditary; Hereditary neoplastic syndrome; Hereditary Cancer Syndrome. Identifiers: Orphanet 140162, MedGen C0027672, MeSH D009386, MONDO:0015356.
Breast-ovarian cancer, familial, susceptibility to, 4. Identifiers: Orphanet 145, MedGen C3280345, MONDO:0013669, OMIM 614291.

Allele frequency attached by ClinVar (database versions not stated): gnomAD exomes below 0.00001; ExAC 0.00001.
gnomAD v4.1: 4 of 1,614,172 alleles (0.00025%); highest among the groups gnomAD compares: South Asian, 0.0022%; no homozygotes.

Submissions (5):

Myriad Genetics, Inc.
Classification: Benign for Breast-ovarian cancer, familial, susceptibility to, 4. Last evaluated: 2025-02-20. Review status: criteria provided, single submitter. Criteria: Myriad Autosomal Dominant, Autosomal Recessive and X-Linked Classification Criteria (2023). Collection method: clinical testing. Allele origin: unknown.
Comment: This variant is considered benign. This variant is a silent/synonymous amino acid change and it is not expected to impact splicing.

Labcorp Genetics (formerly Invitae), Labcorp
Classification: Likely benign for Breast-ovarian cancer, familial, susceptibility to, 4. Last evaluated: 2024-12-23. Review status: criteria provided, single submitter. Criteria: Invitae Variant Classification Sherloc (09022015). Collection method: clinical testing. Allele origin: germline.

Department of Pathology and Laboratory Medicine, Sinai Health System
Classification: Likely benign for Breast-ovarian cancer, familial, susceptibility to, 4. Last evaluated: 2022-09-27. Review status: criteria provided, single submitter. Criteria: ACMG Guidelines, 2015. Collection method: clinical testing. Allele origin: germline. Affected: no.

GeneDx
Classification: Likely benign. Last evaluated: 2018-05-18. Review status: criteria provided, single submitter. Criteria: GeneDx Variant Classification (06012015). Collection method: clinical testing. Allele origin: germline. Affected: yes.
Comment: This variant is considered likely benign or benign based on one or more of the following criteria: it is a conservative change, it occurs at a poorly conserved position in the protein, it is predicted to be benign by multiple in silico algorithms, and/or has population frequency not consistent with disease.

Ambry Genetics
Classification: Likely benign for Hereditary cancer-predisposing syndrome. Last evaluated: 2017-01-26. Review status: criteria provided, single submitter. Criteria: Ambry Variant Classification Scheme 2023. Collection method: clinical testing. Allele origin: germline.